The following is an entry in ClinVar:

NM_019109.5(ALG1):c.961+6G>T

Gene: ALG1 (ALG1 chitobiosyldiphosphodolichol beta-mannosyltransferase; plus strand). Cytogenetic location: 16p13.3.
Variant type: single nucleotide variant.
Coding change: c.961+6G>T on transcript NM_019109.5 (MANE Select); 6 bases into the intron after coding-DNA position 961, G replaced by T.
Molecular consequence: intron variant.
Genome position (GRCh38, 1-based): chr16:5,079,813, G>T. VCF-style: chr16-5079813-G-T. GRCh37 (hg19) VCF-style: chr16-5129814-G-T.
Other names: c.628+6G>T (NM_001330504.2).
Identifiers: ClinVar variation 1345345 (VCV001345345.6), dbSNP rs1304012856, ClinGen allele CA620530345.
Genomic context (GRCh38, chr16:5,079,813, plus strand): 5'-GAACAACTGACTCTTGATGGACACAACCTTCCTTCTCTCGTCTGTGTGATAACAGGTACT[G>T]CCTGGGACCCTGGGTGTCTGTTTGGTTGGGGGATGGCGGAGGGGGAGGGGCACGCAGCCT-3'

ClinVar aggregate classification (germline): Uncertain significance (1 of 4 stars; one submission).

Conditions:
ALG1-congenital disorder of glycosylation. Also called: CONGENITAL DISORDER OF GLYCOSYLATION, TYPE Ik; ALG1-CDG; CDG Ik. Identifiers: Orphanet 79327, MedGen C2931005, MONDO:0012052, OMIM 608540.

Allele frequency attached by ClinVar (database versions not stated): TOPMed below 0.00001; gnomAD exomes 0.00001.

Submission:

Labcorp Genetics (formerly Invitae), Labcorp
Classification: Uncertain significance for ALG1-congenital disorder of glycosylation. Last evaluated: 2023-11-27. Review status: criteria provided, single submitter. Criteria: Invitae Variant Classification Sherloc (09022015). Collection method: clinical testing. Allele origin: germline.
Comment: This sequence change falls in intron 9 of the ALG1 gene. It does not directly change the encoded amino acid sequence of the ALG1 protein. It affects a nucleotide within the consensus splice site. This variant is present in population databases (no rsID available, gnomAD 0.006%). This variant has not been reported in the literature in individuals affected with ALG1-related conditions. ClinVar contains an entry for this variant (Variation ID: 1345345). Variants that disrupt the consensus splice site are a relatively common cause of aberrant splicing (PMID: 17576681, 9536098). Algorithms developed to predict the effect of sequence changes on RNA splicing suggest that this variant is not likely to affect RNA splicing. In summary, the available evidence is currently insufficient to determine the role of this variant in disease. Therefore, it has been classified as a Variant of Uncertain Significance.

Literature cited by the submitters: PubMed 17576681; PubMed 9536098.